The following is an entry in ClinVar:

NM_170601.5(SIAE):c.731C>T (p.Pro244Leu)

Gene: SIAE (sialic acid acetylesterase; minus strand). Cytogenetic location: 11q24.2.
Variant type: single nucleotide variant.
Coding change: c.731C>T on transcript NM_170601.5 (MANE Select); coding-DNA position 731, C replaced by T.
Protein change: p.Pro244Leu; replaces proline 244 with leucine.
Molecular consequence: missense variant.
Genome position (GRCh38, 1-based): chr11:124,648,167, G>A on the plus strand (C>T on the coding strand, the complement: SIAE is on the minus strand). VCF-style: chr11-124648167-G-A. GRCh37 (hg19) VCF-style: chr11-124518063-G-A.
Other names: c.626C>T, p.Pro209Leu (NM_001199922.2); short protein forms P244L, P209L.
Identifiers: ClinVar variation 2110485 (VCV002110485.4), dbSNP rs778481387, ClinGen allele CA383149517.

ClinVar aggregate classification (germline): Uncertain significance (1 of 4 stars; one submission).

Submission:

Labcorp Genetics (formerly Invitae), Labcorp
Classification: Uncertain significance. Last evaluated: 2025-05-12. Review status: criteria provided, single submitter. Criteria: Invitae Variant Classification Sherloc (09022015). Collection method: clinical testing. Allele origin: germline.
Comment: This sequence change replaces proline, which is neutral and non-polar, with leucine, which is neutral and non-polar, at codon 244 of the SIAE protein (p.Pro244Leu). This variant is not present in population databases (gnomAD no frequency). This variant has not been reported in the literature in individuals affected with SIAE-related conditions. ClinVar contains an entry for this variant (Variation ID: 2110485). An algorithm developed to predict the effect of missense changes on protein structure and function outputs the following: PolyPhen-2: "Benign". The leucine amino acid residue is found in multiple mammalian species, which suggests that this missense change does not adversely affect protein function. In summary, the available evidence is currently insufficient to determine the role of this variant in disease. Therefore, it has been classified as a Variant of Uncertain Significance.